The following is an entry in ClinVar:

NM_000081.4(LYST):c.6898T>C (p.Leu2300=)

Gene: LYST (lysosomal trafficking regulator; minus strand). Cytogenetic location: 1q42.3.
Variant type: single nucleotide variant.
Coding change: c.6898T>C on transcript NM_000081.4 (MANE Select); coding-DNA position 6898, T replaced by C.
Protein change: p.Leu2300=; no amino-acid change (leucine 2300 retained).
Molecular consequence: synonymous variant.
Genome position (GRCh38, 1-based): chr1:235,757,442, A>G on the plus strand (T>C on the coding strand, the complement: LYST is on the minus strand). VCF-style: chr1-235757442-A-G. GRCh37 (hg19) VCF-style: chr1-235920742-A-G.
Other names: c.6898T>C, p.Leu2300= (NM_001301365.1).
Identifiers: ClinVar variation 2640100 (VCV002640100.24), dbSNP rs376007590, ClinGen allele CA423775487.

ClinVar aggregate classification (germline): Likely benign (1 of 4 stars; one submission).

Submission:

CeGaT Center for Human Genetics Tuebingen
Classification: Likely benign. Last evaluated: 2023-02-01. Review status: criteria provided, single submitter. Criteria: CeGaT Center For Human Genetics Tuebingen Variant Classification Criteria Version 2. Collection method: clinical testing. Allele origin: germline. Affected: yes. Observed: 1 variant allele.
Comment: LYST: PM2:Supporting, BP4, BP7